The following is an entry in ClinVar:

NM_201596.3(CACNB2):c.392A>G (p.Asp131Gly)

Gene: CACNB2 (calcium voltage-gated channel auxiliary subunit beta 2; plus strand). Cytogenetic location: 10p12.31.
Variant type: single nucleotide variant.
Coding change: c.392A>G on transcript NM_201596.3 (MANE Select); coding-DNA position 392, A replaced by G.
Protein change: p.Asp131Gly; replaces aspartic acid 131 with glycine.
Molecular consequence: missense variant.
Genome position (GRCh38, 1-based): chr10:18,498,413, A>G. VCF-style: chr10-18498413-A-G. GRCh37 (hg19) VCF-style: chr10-18787342-A-G.
Other names: p.Asp131Gly; c.227A>G, p.Asp76Gly (NM_000724.4, NM_001330060.2); c.308A>G, p.Asp103Gly (NM_001167945.2, NM_201571.4, NM_201572.4); c.248A>G, p.Asp83Gly (NM_201570.3); c.230A>G, p.Asp77Gly (NM_201590.3); c.392A>G, p.Asp131Gly (NM_201593.3, NM_201597.3); short protein forms D103G, D77G, D131G, D83G, D76G.
Identifiers: ClinVar variation 1519972 (VCV001519972.9), dbSNP rs2133011061, ClinGen allele CA376056796.

ClinVar aggregate classification (germline): Uncertain significance. Review status: criteria provided, multiple submitters, no conflicts (2 of 4 stars). 2 submissions from 2 submitters: Uncertain significance (2). Last evaluated 2022-10-21.

Conditions:
Brugada syndrome 4 (BRGDA4). Identifiers: Orphanet 130, MedGen C2678477, MONDO:0012743, OMIM 611876.

gnomAD v4.1: 1 of 1,614,164 alleles (0.000062%); no homozygotes.

Submissions (2):

Petrovsky National Research Centre of Surgery, The Federal Agency for Scientific Organizations
Classification: Uncertain significance for Brugada syndrome 4. Last evaluated: 2022-10-21. Review status: criteria provided, single submitter. Criteria: ACMG Guidelines, 2015. Collection method: clinical testing. Allele origin: germline. Inheritance: Autosomal dominant inheritance. Affected: yes. Observed: 1 heterozygote.
Comment: Substitution Asp to Gly affects SH3-domain of the regulatory beta-subunit of the Cav1.2 channel, and most of in silico tools predict the variant to be deleterious. This variant is not present in gnomAD database. In the absence of the family screening data and/or cellular functional studies, we could only classify the c.392A>G (p.Asp131Gly) as a variant of uncertain clinical significance.

Labcorp Genetics (formerly Invitae), Labcorp
Classification: Uncertain significance for Brugada syndrome 4. Last evaluated: 2022-03-08. Review status: criteria provided, single submitter. Criteria: Invitae Variant Classification Sherloc (09022015). Collection method: clinical testing. Allele origin: germline.
Comment: This variant is also known as D131G. This missense change has been observed in individual(s) with restrictive cardiomyopathy (PMID: 27662471). This variant is not present in population databases (gnomAD no frequency). This sequence change replaces aspartic acid, which is acidic and polar, with glycine, which is neutral and non-polar, at codon 77 of the CACNB2 protein (p.Asp77Gly). In summary, the available evidence is currently insufficient to determine the role of this variant in disease. Therefore, it has been classified as a Variant of Uncertain Significance. Algorithms developed to predict the effect of sequence changes on RNA splicing suggest that this variant may create or strengthen a splice site. Algorithms developed to predict the effect of missense changes on protein structure and function are either unavailable or do not agree on the potential impact of this missense change (SIFT: "Deleterious"; PolyPhen-2: "Probably Damaging"; Align-GVGD: "Class C0").

Literature cited by the submitters: PubMed 27662471 (cited by Labcorp Genetics (formerly Invitae), Labcorp).